The following is an entry in ClinVar:

ClinVar aggregate classification (germline): Uncertain significance. Review status: criteria provided, multiple submitters, no conflicts (2 of 4 stars). 3 submissions from 3 submitters: Uncertain significance (3). Last evaluated 2025-06-12.

Conditions:
Monogenic short stature.
Fanconi anemia complementation group E (FANCE). Also called: FANCE-Related Fanconi Anemia. Identifiers: Orphanet 84, MedGen C3160739, MONDO:0010953, OMIM 600901.

Allele frequency attached by ClinVar (database versions not stated): gnomAD exomes below 0.00001 and 0.00003.
gnomAD v4.1: 5 of 1,314,172 alleles (0.00038%); highest among the groups gnomAD compares: Non-Finnish European, 0.00049%; no homozygotes.

Submissions (3):

Cambridge Genomics Laboratory, East Genomic Laboratory Hub, NHS Genomic Medicine Service
Classification: Uncertain significance for Monogenic short stature. Last evaluated: 2025-06-12. Review status: criteria provided, single submitter. Criteria: ACGS Best Practice Guidelines for Variant Classification in Rare Disease 2020. Collection method: clinical testing. Allele origin: germline. Affected: yes.
Comment: PM2,PP3

Labcorp Genetics (formerly Invitae), Labcorp
Classification: Uncertain significance for Fanconi anemia complementation group E. Last evaluated: 2022-04-11. Review status: criteria provided, single submitter. Criteria: Invitae Variant Classification Sherloc (09022015). Collection method: clinical testing. Allele origin: germline.
Comment: This sequence change falls in intron 1 of the FANCE gene. It does not directly change the encoded amino acid sequence of the FANCE protein. It affects a nucleotide within the consensus splice site. The frequency data for this variant in the population databases is considered unreliable, as metrics indicate poor data quality at this position in the gnomAD database. This variant has not been reported in the literature in individuals affected with FANCE-related conditions. ClinVar contains an entry for this variant (Variation ID: 809925). Variants that disrupt the consensus splice site are a relatively common cause of aberrant splicing (PMID: 17576681, 9536098). Algorithms developed to predict the effect of sequence changes on RNA splicing suggest that this variant may disrupt the consensus splice site. In summary, the available evidence is currently insufficient to determine the role of this variant in disease. Therefore, it has been classified as a Variant of Uncertain Significance.

CeGaT Center for Human Genetics Tuebingen
Classification: Uncertain significance. Last evaluated: 2019-04-01. Review status: criteria provided, single submitter. Criteria: CeGaT Center For Human Genetics Tuebingen Variant Classification Criteria Version 2. Collection method: clinical testing. Allele origin: germline. Affected: yes. Observed: 1 variant allele.

Literature cited by the submitters: PubMed 17576681 (cited by Labcorp Genetics (formerly Invitae), Labcorp); PubMed 9536098 (cited by Labcorp Genetics (formerly Invitae), Labcorp).

NM_021922.3(FANCE):c.248+5G>A

Genes: FANCE (FA complementation group E; plus strand), LOC129996245 (ATAC-STARR-seq lymphoblastoid silent region 17092; plus strand). Cytogenetic location: 6p21.31.
Variant type: single nucleotide variant.
Coding change: c.248+5G>A on transcript NM_021922.3 (MANE Select); 5 bases into the intron after coding-DNA position 248, G replaced by A.
Molecular consequence: intron variant.
Genome position (GRCh38, 1-based): chr6:35,452,798, G>A. VCF-style: chr6-35452798-G-A. GRCh37 (hg19) VCF-style: chr6-35420575-G-A.
Identifiers: ClinVar variation 809925 (VCV000809925.44), dbSNP rs1027705914, ClinGen allele CA137292451.